The following is an entry in ClinVar:

ClinVar aggregate classification (germline): Uncertain significance (1 of 4 stars; one submission).

Conditions:
FG syndrome (FGS). Identifiers: MedGen C0220769, MONDO:0002010.

Submission:

Labcorp Genetics (formerly Invitae), Labcorp
Classification: Uncertain significance for FG syndrome. Last evaluated: 2025-03-20. Review status: criteria provided, single submitter. Criteria: Invitae Variant Classification Sherloc (09022015). Collection method: clinical testing. Allele origin: germline.
Comment: This sequence change replaces alanine, which is neutral and non-polar, with threonine, which is neutral and polar, at codon 1273 of the MED12 protein (p.Ala1273Thr). This variant is not present in population databases (gnomAD no frequency). This variant has not been reported in the literature in individuals affected with MED12-related conditions. Invitae Evidence Modeling of protein sequence and biophysical properties (such as structural, functional, and spatial information, amino acid conservation, physicochemical variation, residue mobility, and thermodynamic stability) has been performed for this missense variant. However, the output from this modeling did not meet the statistical confidence thresholds required to predict the impact of this variant on MED12 protein function. In summary, the available evidence is currently insufficient to determine the role of this variant in disease. Therefore, it has been classified as a Variant of Uncertain Significance.

NM_005120.3(MED12):c.3817G>A (p.Ala1273Thr)

Gene: MED12 (mediator complex subunit 12; plus strand). Cytogenetic location: Xq13.1.
Variant type: single nucleotide variant.
Coding change: c.3817G>A on transcript NM_005120.3 (MANE Select); coding-DNA position 3817, G replaced by A.
Protein change: p.Ala1273Thr; replaces alanine 1273 with threonine.
Molecular consequence: missense variant.
Genome position (GRCh38, 1-based): chrX:71,129,805, G>A. VCF-style: chrX-71129805-G-A. GRCh37 (hg19) VCF-style: chrX-70349655-G-A.
Other names: short protein forms A1273T.
Identifiers: ClinVar variation 3634961 (VCV003634961.2).